The following is an entry in ClinVar:

NM_006642.5(SDCCAG8):c.1039T>A (p.Ser347Thr)

Gene: SDCCAG8 (SHH signaling and ciliogenesis regulator SDCCAG8; plus strand). Cytogenetic location: 1q43.
Variant type: single nucleotide variant.
Coding change: c.1039T>A on transcript NM_006642.5 (MANE Select); coding-DNA position 1039, T replaced by A.
Protein change: p.Ser347Thr; replaces serine 347 with threonine.
Molecular consequence: missense variant.
Genome position (GRCh38, 1-based): chr1:243,316,864, T>A. VCF-style: chr1-243316864-T-A. GRCh37 (hg19) VCF-style: chr1-243480166-T-A.
Other names: c.136T>A, p.Ser46Thr (NM_001350246.2, NM_001350247.2, NM_001350251.2); c.1135T>A, p.Ser379Thr (NM_001350248.2); c.745T>A, p.Ser249Thr (NM_001350249.2); short protein forms S347T, S249T, S379T, S46T.
Identifiers: ClinVar variation 4988851 (VCV004988851.1).
Genomic context (GRCh38, chr1:243,316,864, plus strand): 5'-GCAGATACGCAGCAAAGAGAAGCAAGTGCTTATGAACAGGTGAAACAAGTTTTGCAAATA[T>A]CTGAGGAAGCCAATTTTGAAAAAACCAAGGCAAGTCTAATAAGATGCAAATAAAAGTGTC-3'
Protein context (NP_006633.1, residues 337-357): YEQVKQVLQI[Ser347Thr]EEANFEKTKA

ClinVar aggregate classification (germline): Uncertain significance (1 of 4 stars; one submission).

Conditions:
SDCCAG8-related disorder. Also called: SDCCAG8-Related Disorders; SDCCAG8-related condition.

gnomAD v4.1: 1 of 1,614,152 alleles (0.000062%); highest among the groups gnomAD compares: Admixed American, 0.0017%; no homozygotes.

Submission:

PreventionGenetics, part of Exact Sciences
Classification: Uncertain significance for SDCCAG8-related condition. Last evaluated: 2026-02-18. Review status: criteria provided, single submitter. Criteria: ACMG Guidelines, 2015. Collection method: clinical testing. Allele origin: germline.
Comment: The SDCCAG8 c.1039T>A variant is predicted to result in the amino acid substitution p.Ser347Thr. To our knowledge, this variant has not been reported in the literature. This variant is reported in 0.0029% of alleles in individuals of Latino descent in gnomAD. At this time, the clinical significance of this variant is uncertain due to the absence of conclusive functional and genetic evidence.